The following is an entry in ClinVar:

NM_022370.4(ROBO3):c.3792T>A (p.Pro1264=)

Gene: ROBO3 (roundabout guidance receptor 3; plus strand). Cytogenetic location: 11q24.2.
Variant type: single nucleotide variant.
Coding change: c.3792T>A on transcript NM_022370.4 (MANE Select); coding-DNA position 3792, T replaced by A.
Protein change: p.Pro1264=; no amino-acid change (proline 1264 retained).
Molecular consequence: synonymous variant. On other transcripts: non-coding transcript variant (7).
Genome position (GRCh38, 1-based): chr11:124,879,571, T>A. VCF-style: chr11-124879571-T-A. GRCh37 (hg19) VCF-style: chr11-124749467-T-A.
Other names: c.939T>A, p.Pro313= (NM_001370356.1, NM_001370357.1, NM_001370358.1 and 2 more transcripts); c.744T>A, p.Pro248= (NM_001370364.1, NM_001370366.1).
Identifiers: ClinVar variation 877413 (VCV000877413.5), dbSNP rs562638179, ClinGen allele CA6344264.

ClinVar aggregate classification (germline): Likely benign. Review status: criteria provided, multiple submitters, no conflicts (2 of 4 stars). 2 submissions from 2 submitters: Likely benign (2). Last evaluated 2024-11-19.

Conditions:
Gaze palsy, familial horizontal, with progressive scoliosis 1 (HGPPS1). Identifiers: Orphanet 2744, MedGen C4551964, MONDO:0020790, OMIM 607313.

Allele frequency attached by ClinVar (database versions not stated): gnomAD below 0.00001 and 0.00024; TOPMed 0.00003; gnomAD exomes 0.00045 and 0.00096; ExAC 0.00107; 1000 Genomes Project 30x 0.00109; 1000 Genomes Project 0.00140.
gnomAD v4.1: 699 of 1,610,904 alleles (0.043%); highest among the groups gnomAD compares: South Asian, 0.74%; 8 homozygotes.

Submissions (2):

Blueprint Genetics
Classification: Likely benign. Last evaluated: 2024-11-19. Review status: criteria provided, single submitter. Criteria: ACMG Guidelines, 2015. Collection method: clinical testing. Allele origin: germline.

Illumina Laboratory Services, Illumina
Classification: Likely benign for Gaze palsy, familial horizontal, with progressive scoliosis 1. Last evaluated: 2018-01-13. Review status: criteria provided, single submitter. Criteria: ICSL Variant Classification Criteria 13 December 2019. Collection method: clinical testing. Allele origin: germline.
Comment: This variant was observed in the ICSL laboratory as part of a predisposition screen in an ostensibly healthy population. It had not been previously curated by ICSL or reported in the Human Gene Mutation Database (HGMD: prior to June 1st, 2018), and was therefore a candidate for classification through an automated scoring system. Utilizing variant allele frequency, disease prevalence and penetrance estimates, and inheritance mode, an automated score was calculated to assess if this variant is too frequent to cause the disease. Based on the score and internal cut-off values, a variant classified as likely benign is not then subjected to further curation. The score for this variant resulted in a classification of likely benign for this disease.